The following is an entry in ClinVar:

ClinVar aggregate classification (germline): Uncertain significance (1 of 4 stars; one submission).

Allele frequency attached by ClinVar (database versions not stated): ESP Exome Variant Server 0.00008; gnomAD 0.00021; TOPMed 0.00023; ExAC 0.00027; gnomAD exomes 0.00047.
gnomAD v4.1: 707 of 1,607,128 alleles (0.044%); highest among the groups gnomAD compares: Non-Finnish European, 0.055%; 1 homozygote.

Submission:

Labcorp Genetics (formerly Invitae), Labcorp
Classification: Uncertain significance. Last evaluated: 2025-09-02. Review status: criteria provided, single submitter. Criteria: Invitae Variant Classification Sherloc (09022015). Collection method: clinical testing. Allele origin: germline.
Comment: This sequence change replaces valine, which is neutral and non-polar, with isoleucine, which is neutral and non-polar, at codon 722 of the TRPC3 protein (p.Val722Ile). This variant is present in population databases (rs146271874, gnomAD 0.07%), and has an allele count higher than expected for a pathogenic variant. This variant has not been reported in the literature in individuals affected with TRPC3-related conditions. ClinVar contains an entry for this variant (Variation ID: 2193861). Invitae Evidence Modeling of protein sequence and biophysical properties (such as structural, functional, and spatial information, amino acid conservation, physicochemical variation, residue mobility, and thermodynamic stability) indicates that this missense variant is not expected to disrupt TRPC3 protein function with a negative predictive value of 80%. In summary, the available evidence is currently insufficient to determine the role of this variant in disease. Therefore, it has been classified as a Variant of Uncertain Significance.

NM_001130698.2(TRPC3):c.2164G>A (p.Val722Ile)

Gene: TRPC3 (transient receptor potential cation channel subfamily C member 3; minus strand). Cytogenetic location: 4q27.
Variant type: single nucleotide variant.
Coding change: c.2164G>A on transcript NM_001130698.2 (MANE Select); coding-DNA position 2164, G replaced by A.
Protein change: p.Val722Ile; replaces valine 722 with isoleucine.
Molecular consequence: missense variant.
Genome position (GRCh38, 1-based): chr4:121,904,411, C>T on the plus strand (G>A on the coding strand, the complement: TRPC3 is on the minus strand). VCF-style: chr4-121904411-C-T. GRCh37 (hg19) VCF-style: chr4-122825566-C-T.
Other names: c.2164G>A, p.Val722Ile (NM_001366479.2); c.1945G>A, p.Val649Ile (NM_003305.2); short protein forms V649I, V722I.
Identifiers: ClinVar variation 2193861 (VCV002193861.4), dbSNP rs146271874, ClinGen allele CA3064817.